The following is an entry in ClinVar:

NM_000535.7(PMS2):c.1813del (p.Val605fs)

Gene: PMS2 (PMS1 homolog 2, mismatch repair system component; minus strand). Cytogenetic location: 7p22.1.
Variant type: Deletion.
Coding change: c.1813del on transcript NM_000535.7 (MANE Select); coding-DNA position 1813, one base deleted (G; older notation c.1813delG).
Protein change: p.Val605fs; shifts the reading frame from valine 605.
Molecular consequence: frameshift variant. On other transcripts: non-coding transcript variant (1).
Genome position (GRCh38, 1-based): chr7:5,986,952, C deleted on the plus strand (G on the coding strand, the reverse complement: PMS2 is on the minus strand); the first of 2 consecutive C bases (chr7:5,986,952-5,986,953); deleting either gives the same sequence. VCF-style (leftmost placement, unchanged base first): chr7-5986951-AC-A. GRCh37 (hg19) VCF-style: chr7-6026582-AC-A.
Other names: c.1407delG, p.Val470Leufs (NM_001018040.1, NM_001406887.1, NM_001406888.1 and 13 more transcripts); c.1408del, p.Val470fs (NM_001322003.2, NM_001322004.2, NM_001322005.2 and 1 more transcripts); c.1657del, p.Val553fs (NM_001322006.2); c.1495del, p.Val499fs (NM_001322007.2, NM_001322008.2); c.1252del, p.Val418fs (NM_001322010.2); c.880del, p.Val294fs (NM_001322011.2, NM_001322012.2); c.1240del, p.Val414fs (NM_001322013.2); c.1813del, p.Val605fs (NM_001322014.2); and 20 more; short protein forms V605fs, V294fs, V418fs, V470fs, V499fs, V553fs, V414fs, V502fs.
Identifiers: ClinVar variation 1780627 (VCV001780627.2), dbSNP rs2535729434, ClinGen allele CA2580076885.

ClinVar aggregate classification (germline): Pathogenic (1 of 4 stars; one submission).

Conditions:
Hereditary cancer-predisposing syndrome. Also called: Neoplastic Syndromes, Hereditary; Tumor predisposition; Hereditary Cancer Syndrome; Hereditary neoplastic syndrome. Identifiers: Orphanet 140162, MedGen C0027672, MeSH D009386, MONDO:0015356.

Submission:

Ambry Genetics
Classification: Pathogenic for Hereditary cancer-predisposing syndrome. Last evaluated: 2020-10-01. Review status: criteria provided, single submitter. Criteria: Ambry Variant Classification Scheme 2023. Collection method: clinical testing. Allele origin: germline.
Comment: The c.1813delG pathogenic mutation, located in coding exon 11 of the PMS2 gene, results from a deletion of one nucleotide at nucleotide position 1813, causing a translational frameshift with a predicted alternate stop codon (p.V605Lfs*3). This alteration is expected to result in loss of function by premature protein truncation or nonsense-mediated mRNA decay. As such, this alteration is interpreted as a disease-causing mutation.